The following is an entry in ClinVar:

NM_003280.3(TNNC1):c.90C>T (p.Gly30=)

Gene: TNNC1 (troponin C1, slow skeletal and cardiac type; minus strand). Cytogenetic location: 3p21.1.
Variant type: single nucleotide variant.
Coding change: c.90C>T on transcript NM_003280.3 (MANE Select); coding-DNA position 90, C replaced by T.
Protein change: p.Gly30=; no amino-acid change (glycine 30 retained).
Molecular consequence: synonymous variant.
Genome position (GRCh38, 1-based): chr3:52,452,218, G>A on the plus strand (C>T on the coding strand, the complement: TNNC1 is on the minus strand). VCF-style: chr3-52452218-G-A. GRCh37 (hg19) VCF-style: chr3-52486234-G-A.
Other names: c.90C>T (LRG_378t1).
Identifiers: ClinVar variation 385093 (VCV000385093.13), dbSNP rs149647795, ClinGen allele CA2438580.
Genomic context (GRCh38, chr3:52,452,218, plus strand): 5'-CTGGCCCAGCATCCTCATCACCTTGCCCAGCTCCTTGGTGCTGATGCAGCCATCCTCAGC[G>A]CCCAGCACGAAGATGTCGAAGGCTGCCTTGAACTCTGTGTTCAGGGGTTGGGGGGCACAG-3'
Protein context (NP_003271.1, residues 20-40): FKAAFDIFVL[Gly30=]AEDGCISTKE

ClinVar aggregate classification (germline): Likely benign. Review status: criteria provided, multiple submitters, no conflicts (2 of 4 stars). 4 submissions from 4 submitters: Likely benign (4). Last evaluated 2025-12-29.

Conditions:
Dilated cardiomyopathy 1Z (CMD1Z). Identifiers: Orphanet 154, MedGen C2678475, MONDO:0012745, OMIM 611879.
Hypertrophic cardiomyopathy 13. Also called: TNNC1-Related Familial Hypertrophic Cardiomyopathy. Identifiers: MedGen C2750472, MONDO:0013195, OMIM 613243.
Cardiomyopathy (CMYO). Also called: Cardiomyopathies. Identifiers: Orphanet 167848, MedGen C0878544, MONDO:0004994, HP:0001638. Inheritance: Various modes of inheritance.
Cardiovascular phenotype. Identifiers: MedGen CN230736.

Allele frequency attached by ClinVar (database versions not stated): gnomAD 0.00001; TOPMed 0.00001; gnomAD exomes 0.00002; ExAC 0.00003; ESP Exome Variant Server 0.00015.
gnomAD v4.1: 27 of 1,613,628 alleles (0.0017%); highest among the groups gnomAD compares: South Asian, 0.013%; no homozygotes.

Submissions (4):

Labcorp Genetics (formerly Invitae), Labcorp
Classification: Likely benign for Hypertrophic cardiomyopathy 13; Dilated cardiomyopathy 1Z. Last evaluated: 2025-12-29. Review status: criteria provided, single submitter. Criteria: Invitae Variant Classification Sherloc (09022015). Collection method: clinical testing. Allele origin: germline.

Ambry Genetics
Classification: Likely benign for Cardiovascular phenotype. Last evaluated: 2023-01-25. Review status: criteria provided, single submitter. Criteria: Ambry Variant Classification Scheme 2023. Collection method: clinical testing. Allele origin: germline.

CHEO Genetics Diagnostic Laboratory, Children's Hospital of Eastern Ontario
Classification: Likely benign for Cardiomyopathy. Last evaluated: 2017-10-10. Review status: criteria provided, single submitter. Criteria: ACMG Guidelines, 2015. Collection method: clinical testing. Allele origin: germline. Study: Canadian Open Genetics Repository.

GeneDx
Classification: Likely benign. Last evaluated: 2016-03-23. Review status: criteria provided, single submitter. Criteria: GeneDx Variant Classification (06012015). Collection method: clinical testing. Allele origin: germline. Affected: yes.
Comment: This variant is considered likely benign or benign based on one or more of the following criteria: it is a conservative change, it occurs at a poorly conserved position in the protein, it is predicted to be benign by multiple in silico algorithms, and/or has population frequency not consistent with disease.